The following is an entry in ClinVar:

NM_001352027.3(PHF21A):c.666_667del (p.Pro222_Pro223insTer)

Gene: PHF21A (PHD finger protein 21A; minus strand). Cytogenetic location: 11p11.2.
Variant type: Deletion.
Coding change: c.666_667del on transcript NM_001352027.3 (MANE Select); coding-DNA positions 666 to 667, 2 bases deleted (TC; older notation c.666_667delTC).
Protein change: p.Pro222_Pro223insTer.
Molecular consequence: frameshift variant. On other transcripts: non-coding transcript variant (2).
Genome position (GRCh38, 1-based): chr11:45,969,850-45,969,851, GA deleted on the plus strand (TC on the coding strand, the reverse complement: PHF21A is on the minus strand); deleting any 2 consecutive bases within chr11:45,969,850-45,969,852 gives the same sequence; the c. name uses the placement nearest the transcript's 3' end. VCF-style (leftmost placement, unchanged base first): chr11-45969849-GGA-G. GRCh37 (hg19) VCF-style: chr11-45991400-GGA-G.
Other names: c.663_664del, p.Pro221_Pro222insTer (NM_001101802.3, NM_001352030.3, NM_001352031.3 and 1 more transcripts); c.666_667del, p.Pro222_Pro223insTer (NM_001352025.3, NM_001352026.3, NM_001352028.1 and 2 more transcripts).
Identifiers: ClinVar variation 817590 (VCV000817590.1), dbSNP rs1591407093, ClinGen allele CA915948136.

ClinVar aggregate classification (germline): Pathogenic (1 of 4 stars; one submission).

Submission:

GeneDx
Classification: Pathogenic. Last evaluated: 2019-03-05. Review status: criteria provided, single submitter. Criteria: GeneDx Variant Classification (06012015). Collection method: clinical testing. Allele origin: germline. Affected: yes.
Comment: The c.666_667delTC pathogenic variant in the PHF21A gene causes a frameshift starting with codon Proline 223 and changes this amino acid to a premature Stop codon, denoted p.Pro223Ter. This pathogenic variant is predicted to cause loss of normal protein function either through protein truncation or nonsense-mediated mRNA decay. The c.666_667delTC variant is not observed in large population cohorts (Lek et al., 2016).